The following is an entry in ClinVar:

NM_198525.3(KIF7):c.2896-18T>A

Gene: KIF7 (kinesin family member 7; minus strand). Cytogenetic location: 15q26.1.
Variant type: single nucleotide variant.
Coding change: c.2896-18T>A on transcript NM_198525.3 (MANE Select); 18 bases into the intron before coding-DNA position 2896, T replaced by A.
Molecular consequence: intron variant.
Genome position (GRCh38, 1-based): chr15:89,631,728, A>T on the plus strand (T>A on the coding strand, the complement: KIF7 is on the minus strand). VCF-style: chr15-89631728-A-T. GRCh37 (hg19) VCF-style: chr15-90174959-A-T.
Identifiers: ClinVar variation 1027931 (VCV001027931.8), dbSNP rs528968559, ClinGen allele CA7727891.

ClinVar aggregate classification (germline): Uncertain significance. Review status: criteria provided, multiple submitters, no conflicts (2 of 4 stars). 3 submissions from 3 submitters: Uncertain significance (3). Last evaluated 2025-06-12.

Conditions:
Multiple epiphyseal dysplasia, Al-Gazali type. Also called: Macrocephaly with multiple epiphyseal dysplasia and distinctive facies. Identifiers: Orphanet 166024, MedGen C1846722, MONDO:0011778, OMIM 607131.
Acrocallosal syndrome (ACLS). Also called: HALLUX DUPLICATION, POSTAXIAL POLYDACTYLY, AND ABSENCE OF CORPUS CALLOSUM; Schinzel syndrome 1; Absence of corpus callosum with unusual facial appearance, mental deficiency, duplication of the halluces and polydactyly. Identifiers: Orphanet 36, MedGen C0796147, MONDO:0008708, OMIM 200990.
Hydrolethalus syndrome 2 (HLS2). Identifiers: Orphanet 2189, MedGen C3279899, MONDO:0013585, OMIM 614120.

Allele frequency attached by ClinVar (database versions not stated): gnomAD 0.00001; gnomAD exomes 0.00001; ExAC 0.00007; 1000 Genomes Project 30x 0.00016; 1000 Genomes Project 0.00020.
gnomAD v4.1: 16 of 1,544,214 alleles (0.001%); highest among the groups gnomAD compares: African/African-American, 0.0096%; no homozygotes.

Submissions (3):

Labcorp Genetics (formerly Invitae), Labcorp
Classification: Uncertain significance for Acrocallosal syndrome. Last evaluated: 2025-06-12. Review status: criteria provided, single submitter. Criteria: Invitae Variant Classification Sherloc (09022015). Collection method: clinical testing. Allele origin: germline.
Comment: This sequence change falls in intron 14 of the KIF7 gene. It does not directly change the encoded amino acid sequence of the KIF7 protein. This variant is present in population databases (rs528968559, gnomAD 0.01%). This variant has not been reported in the literature in individuals affected with KIF7-related conditions. ClinVar contains an entry for this variant (Variation ID: 1027931). Algorithms developed to predict the effect of sequence changes on RNA splicing suggest that this variant may create or strengthen a splice site. In summary, the available evidence is currently insufficient to determine the role of this variant in disease. Therefore, it has been classified as a Variant of Uncertain Significance.

Fulgent Genetics
Classification: Uncertain significance for Acrocallosal syndrome; Multiple epiphyseal dysplasia, Al-Gazali type; Hydrolethalus syndrome 2. Last evaluated: 2024-06-03. Review status: criteria provided, single submitter. Criteria: ACMG Guidelines, 2015. Collection method: clinical testing. Allele origin: germline.

Baylor Genetics
Classification: Uncertain significance for Hydrolethalus syndrome 2. Last evaluated: 2020-01-07. Review status: criteria provided, single submitter. Criteria: ACMG Guidelines, 2015. Collection method: clinical testing. Allele origin: unknown. Affected: yes.
Comment: This variant was determined to be of uncertain significance according to ACMG Guidelines, 2015 [PMID:25741868].